The following is an entry in ClinVar:

ClinVar aggregate classification (germline): Likely pathogenic (1 of 4 stars; one submission).

Conditions:
Autosomal recessive limb-girdle muscular dystrophy type 2J (LGMDR10). Also called: Limb-girdle muscular dystrophy, type 2J; MUSCULAR DYSTROPHY, LIMB-GIRDLE, AUTOSOMAL RECESSIVE 10. Identifiers: Orphanet 140922, MedGen C1837342, MONDO:0012127, OMIM 608807.
Dilated cardiomyopathy 1G (CMD1G). Identifiers: Orphanet 154, MedGen C1858763, MONDO:0011400, OMIM 604145.

Submission:

Labcorp Genetics (formerly Invitae), Labcorp
Classification: Likely pathogenic for Dilated cardiomyopathy 1G; Autosomal recessive limb-girdle muscular dystrophy type 2J. Last evaluated: 2025-09-02. Review status: criteria provided, single submitter. Criteria: Invitae Variant Classification Sherloc (09022015). Collection method: clinical testing. Allele origin: germline.
Comment: This sequence change creates a premature translational stop signal (p.Ala25310Leufs*7) in the TTN gene. While this is not anticipated to result in nonsense mediated decay, it is expected to create a truncated TTN protein. This variant is present in population databases (rs772197105, gnomAD 0.003%). This variant has not been reported in the literature in individuals affected with TTN-related conditions. This variant is located in the A band of TTN (PMID: 25589632). Truncating variants in this region are significantly overrepresented in patients affected with dilated cardiomyopathy (PMID: 25589632). Truncating variants in this region have also been reported in individuals affected with autosomal recessive centronuclear myopathy (PMID: 23975875). In summary, the currently available evidence indicates that the variant is pathogenic, but additional data are needed to prove that conclusively. Therefore, this variant has been classified as Likely Pathogenic.

Literature cited by the submitters: PubMed 25589632; PubMed 23975875.

NM_001267550.2(TTN):c.75927del (p.Ala25310fs)

Genes: TTN-AS1 (TTN antisense RNA 1; plus strand), TTN (titin; minus strand). Cytogenetic location: 2q31.2.
Variant type: Deletion.
Coding change: c.75927del on transcript NM_001267550.2 (MANE Select); coding-DNA position 75927, one base deleted (A; older notation c.75927delA).
Protein change: p.Ala25310fs; shifts the reading frame from alanine 25310.
Molecular consequence: frameshift variant.
Genome position (GRCh38, 1-based): chr2:178,570,205, T deleted on the plus strand (A on the coding strand, the reverse complement: TTN is on the minus strand); the first of 4 consecutive T bases (chr2:178,570,205-178,570,208); deleting any one gives the same sequence. VCF-style (leftmost placement, unchanged base first): chr2-178570204-CT-C. GRCh37 (hg19) VCF-style: chr2-179434931-CT-C.
Other names: c.71004del, p.Ala23669fs (NM_001256850.1); c.48732del, p.Ala16245fs (NM_003319.4); c.68223del, p.Ala22742fs (NM_133378.4); c.49107del, p.Ala16370fs (NM_133432.3); c.49308del, p.Ala16437fs (NM_133437.4); short protein forms A16245fs, A22742fs, A23669fs, A25310fs, A16437fs, A16370fs.
Identifiers: ClinVar variation 4786009 (VCV004786009.1).